The following is an entry in ClinVar:

GRCh37/hg19 16p11.2(chr16:29517698-30191848)x1

Genes: ALDOA (aldolase, fructose-bisphosphate A; plus strand), ASPHD1 (aspartate beta-hydroxylase domain containing 1; plus strand), C16orf54 (chromosome 16 open reading frame 54; minus strand), C16orf92 (chromosome 16 open reading frame 92; plus strand), CDIPT (CDP-diacylglycerol--inositol 3-phosphatidyltransferase; minus strand) and 21 more. Cytogenetic location: 16p11.2.
Variant type: copy number loss.
Change: copy number 1 (one copy instead of two) of chr16:29,517,698-30,191,848 (674.2 kb, GRCh37 coordinates, 1-based), cytogenetic band 16p11.2.
Identifiers: ClinVar variation 2685572 (VCV002685572.1).

ClinVar aggregate classification (germline): Pathogenic (1 of 4 stars; one submission).

Submission:

Quest Diagnostics Nichols Institute San Juan Capistrano
Classification: Pathogenic. Last evaluated: 2023-07-08. Review status: criteria provided, single submitter. Criteria: ACMG/ClinGen CNV Guidelines, 2019. Collection method: clinical testing. Allele origin: unknown.
Comment: This copy number loss is consistent with the proximal (BP4-BP5) 16p11.2 recurrent region (OMIM 611913; ISCA-37400), haploinsufficiency of which is associated with neurodevelopmental issues, obesity, and variable congenital malformations (Taylor 2021). Therefore, this copy number variant is classified as pathogenic. References: Taylor et al., GeneReviews [Internet]. [2021 Oct 28]. PMID: 20301776